The following is an entry in ClinVar:

NM_005862.3(STAG1):c.916G>C (p.Glu306Gln)

Gene: STAG1 (STAG1 cohesin complex component; minus strand). Cytogenetic location: 3q22.3.
Variant type: single nucleotide variant.
Coding change: c.916G>C on transcript NM_005862.3 (MANE Select); coding-DNA position 916, G replaced by C.
Protein change: p.Glu306Gln; replaces glutamic acid 306 with glutamine.
Molecular consequence: missense variant.
Genome position (GRCh38, 1-based): chr3:136,477,399, C>G on the plus strand (G>C on the coding strand, the complement: STAG1 is on the minus strand). VCF-style: chr3-136477399-C-G. GRCh37 (hg19) VCF-style: chr3-136196241-C-G.
Other names: short protein forms E306Q.
Identifiers: ClinVar variation 4795299 (VCV004795299.1).

ClinVar aggregate classification (germline): Uncertain significance (1 of 4 stars; one submission).

Submission:

GeneDx
Classification: Uncertain significance. Last evaluated: 2025-08-14. Review status: criteria provided, single submitter. Criteria: GeneDx Variant Classification Process June 2021. Collection method: clinical testing. Allele origin: germline. Affected: yes.
Comment: Not observed at significant frequency in large population cohorts (gnomAD); In silico analysis supports that this missense variant has a deleterious effect on protein structure/function; Has not been previously published as pathogenic or benign to our knowledge